The following is an entry in ClinVar:

NM_023034.2(NSD3):c.1392G>A (p.Pro464=)

Gene: NSD3 (nuclear receptor binding SET domain protein 3; minus strand). Cytogenetic location: 8p11.23.
Variant type: single nucleotide variant.
Coding change: c.1392G>A on transcript NM_023034.2 (MANE Select); coding-DNA position 1392, G replaced by A.
Protein change: p.Pro464=; no amino-acid change (proline 464 retained).
Molecular consequence: synonymous variant.
Genome position (GRCh38, 1-based): chr8:38,329,567, C>T on the plus strand (G>A on the coding strand, the complement: NSD3 is on the minus strand). VCF-style: chr8-38329567-C-T. GRCh37 (hg19) VCF-style: chr8-38187085-C-T.
Other names: c.1392G>A, p.Pro464= (NM_017778.3).
Identifiers: ClinVar variation 3039064 (VCV003039064.2), dbSNP rs112350481, ClinGen allele CA4717354.

ClinVar aggregate classification (germline): Likely benign (0 of 4 stars; one submission).

Conditions:
NSD3-related disorder. Also called: NSD3-related condition.

Allele frequency attached by ClinVar (database versions not stated): ESP Exome Variant Server 0.00008; TOPMed 0.00008; gnomAD 0.00013; 1000 Genomes Project 30x 0.00016; 1000 Genomes Project 0.00020; ExAC 0.00039.

Submission:

PreventionGenetics, part of Exact Sciences
Classification: Likely benign for NSD3-related condition. Last evaluated: 2019-05-21. Review status: no assertion criteria provided. Collection method: clinical testing. Allele origin: germline.
Comment: This variant is classified as likely benign based on ACMG/AMP sequence variant interpretation guidelines (Richards et al. 2015 PMID: 25741868, with internal and published modifications).